The following is an entry in ClinVar:

ClinVar aggregate classification (germline): Uncertain significance (1 of 4 stars; one submission).

Allele frequency attached by ClinVar (database versions not stated): gnomAD exomes below 0.00001; TOPMed 0.00001; gnomAD 0.00002.

Submission:

Labcorp Genetics (formerly Invitae), Labcorp
Classification: Uncertain significance. Last evaluated: 2018-10-07. Review status: criteria provided, single submitter. Criteria: Invitae Variant Classification Sherloc (09022015). Collection method: clinical testing. Allele origin: germline.
Comment: In summary, this variant is a novel missense change that is not predicted to affect protein function. There is no indication that it causes disease, but the available evidence is currently insufficient to prove that conclusively. Therefore, it has been classified as a Variant of Uncertain Significance. Algorithms developed to predict the effect of missense changes on protein structure and function (SIFT, PolyPhen-2, Align-GVGD) all suggest that this variant is likely to be tolerated, but these predictions have not been confirmed by published functional studies. This variant is not present in population databases (ExAC no frequency) and has not been reported in the literature in individuals with a SZT2-related disease. This sequence change replaces isoleucine with valine at codon 670 of the SZT2 protein (p.Ile670Val). The isoleucine residue is weakly conserved and there is a small physicochemical difference between isoleucine and valine.

NM_001365999.1(SZT2):c.2008A>G (p.Ile670Val)

Gene: SZT2 (SZT2 subunit of KICSTOR complex; plus strand). Cytogenetic location: 1p34.2.
Variant type: single nucleotide variant.
Coding change: c.2008A>G on transcript NM_001365999.1 (MANE Select); coding-DNA position 2008, A replaced by G.
Protein change: p.Ile670Val; replaces isoleucine 670 with valine.
Molecular consequence: missense variant.
Genome position (GRCh38, 1-based): chr1:43,422,854, A>G. VCF-style: chr1-43422854-A-G. GRCh37 (hg19) VCF-style: chr1-43888525-A-G.
Other names: c.2008A>G, p.Ile670Val (NM_015284.4); short protein forms I670V.
Identifiers: ClinVar variation 650522 (VCV000650522.6), dbSNP rs1357652004, ClinGen allele CA340010735.